The following is an entry in ClinVar:

ClinVar aggregate classification (germline): Uncertain significance. Review status: criteria provided, multiple submitters, no conflicts (2 of 4 stars). 2 submissions from 2 submitters: Uncertain significance (2). Last evaluated 2023-12-27.

Conditions:
Inborn genetic diseases. Identifiers: MedGen C0950123, MeSH D030342.

Allele frequency attached by ClinVar (database versions not stated): gnomAD exomes below 0.00001.
gnomAD v4.1: 2 of 1,613,858 alleles (0.00012%); highest among the groups gnomAD compares: Non-Finnish European, 0.00017%; no homozygotes.

Submissions (2):

Ambry Genetics
Classification: Uncertain significance for Inborn genetic diseases. Last evaluated: 2023-12-27. Review status: criteria provided, single submitter. Criteria: Ambry Variant Classification Scheme 2023. Collection method: clinical testing. Allele origin: germline.

CeGaT Center for Human Genetics Tuebingen
Classification: Uncertain significance. Last evaluated: 2022-10-01. Review status: criteria provided, single submitter. Criteria: CeGaT Center For Human Genetics Tuebingen Variant Classification Criteria Version 2. Collection method: clinical testing. Allele origin: germline. Affected: yes. Observed: 1 variant allele.
Comment: KCNN2: PM2

NM_021614.4(KCNN2):c.2362T>C (p.Ser788Pro)

Genes: KCNN2 (potassium calcium-activated channel subfamily N member 2; plus strand), KCNN2-AS1 (KCNN2 antisense RNA 1; minus strand). Cytogenetic location: 5q22.3.
Variant type: single nucleotide variant.
Coding change: c.2362T>C on transcript NM_021614.4 (MANE Select); coding-DNA position 2362, T replaced by C.
Protein change: p.Ser788Pro; replaces serine 788 with proline.
Molecular consequence: missense variant. On other transcripts: non-coding transcript variant (3).
Genome position (GRCh38, 1-based): chr5:114,496,168, T>C. VCF-style: chr5-114496168-T-C. GRCh37 (hg19) VCF-style: chr5-113831865-T-C.
Other names: c.1726T>C (NM_021614.2); c.2560T>C, p.Ser854Pro (NM_001372233.1); c.682T>C, p.Ser228Pro (NM_170775.3); short protein forms S228P, S788P, S854P.
Identifiers: ClinVar variation 2655648 (VCV002655648.25), dbSNP rs2531646617, ClinGen allele CA360706891.